The following is an entry in ClinVar:

ClinVar aggregate classification (germline): Pathogenic. Review status: criteria provided, multiple submitters, no conflicts (2 of 4 stars). 2 submissions from 2 submitters: Pathogenic (2). Last evaluated 2026-09-15.

Allele frequency attached by ClinVar (database versions not stated): gnomAD exomes below 0.00001; TOPMed below 0.00001.

Submissions (2):

GeneDx
Classification: Pathogenic. Last evaluated: 2026-09-15. Review status: criteria provided, single submitter. Criteria: GeneDx Variant Classification Process June 2021. Collection method: clinical testing. Allele origin: germline.
Comment: Frameshift variant predicted to result in protein truncation or nonsense mediated decay in a gene for which loss of function is a known mechanism of disease; Not observed at significant frequency in large population cohorts (gnomAD); This variant is associated with the following publications: (PMID: Targovnik2026[Preprint])

Labcorp Genetics (formerly Invitae), Labcorp
Classification: Pathogenic. Last evaluated: 2023-10-04. Review status: criteria provided, single submitter. Criteria: Invitae Variant Classification Sherloc (09022015). Collection method: clinical testing. Allele origin: germline.
Comment: This sequence change creates a premature translational stop signal (p.Lys1837Cysfs*12) in the TG gene. It is expected to result in an absent or disrupted protein product. Loss-of-function variants in TG are known to be pathogenic (PMID: 19837936, 23164529). This variant is not present in population databases (gnomAD no frequency). This variant has not been reported in the literature in individuals affected with TG-related conditions. ClinVar contains an entry for this variant (Variation ID: 524076). For these reasons, this variant has been classified as Pathogenic.

Literature cited by the submitters: PubMed 19837936 (cited by Labcorp Genetics (formerly Invitae), Labcorp); PubMed 23164529 (cited by Labcorp Genetics (formerly Invitae), Labcorp).

NM_003235.5(TG):c.5509_5518del (p.Lys1837fs)

Gene: TG (thyroglobulin; plus strand). Cytogenetic location: 8q24.22.
Variant type: Deletion.
Coding change: c.5509_5518del on transcript NM_003235.5 (MANE Select); coding-DNA positions 5509 to 5518, 10 bases deleted (AAAGACACAG; older notation c.5509_5518delAAAGACACAG).
Protein change: p.Lys1837fs; shifts the reading frame from lysine 1837.
Molecular consequence: frameshift variant.
Genome position (GRCh38, 1-based): chr8:132,963,035-132,963,044, AAAGACACAG deleted. VCF-style (leftmost placement, unchanged base first): chr8-132963034-AAAAGACACAG-A. GRCh37 (hg19) VCF-style: chr8-133975279-AAAAGACACAG-A.
Other names: c.5509_5518delAAAGACACAG (NM_003235.4); c.5509_5518del (NM_003235.4); short protein forms K1837fs.
Identifiers: ClinVar variation 524076 (VCV000524076.6), dbSNP rs1554681801, ClinGen allele CA658797152.